The following is an entry in ClinVar:

NM_000070.3(CAPN3):c.2105C>A (p.Ala702Glu)

Gene: CAPN3 (calpain 3; plus strand). Cytogenetic location: 15q15.1.
Variant type: single nucleotide variant.
Coding change: c.2105C>A on transcript NM_000070.3 (MANE Select); coding-DNA position 2105, C replaced by A.
Protein change: p.Ala702Glu; replaces alanine 702 with glutamic acid.
Molecular consequence: missense variant.
Genome position (GRCh38, 1-based): chr15:42,409,985, C>A. VCF-style: chr15-42409985-C-A. GRCh37 (hg19) VCF-style: chr15-42702183-C-A.
Other names: c.2087C>A, p.Ala696Glu (NM_024344.2); c.1829C>A, p.Ala610Glu (NM_173087.2); c.569C>A, p.Ala190Glu (NM_173088.2); c.110C>A, p.Ala37Glu (NM_173089.2, NM_173090.2); short protein forms A190E, A37E, A610E, A696E, A702E.
Identifiers: ClinVar variation 4533207 (VCV004533207.1).

ClinVar aggregate classification (germline): Uncertain significance (1 of 4 stars; one submission).

Conditions:
Autosomal recessive limb-girdle muscular dystrophy type 2A (LGMDR1). Also called: Muscular dystrophy, limb-girdle, type 2A, Amish; LEYDEN-MOEBIUS MUSCULAR DYSTROPHY; MUSCULAR DYSTROPHY, PELVOFEMORAL; Limb-girdle muscular dystrophy, type 2A; Calpainopathy. Identifiers: Orphanet 267, MedGen C1869123, MONDO:0009675, OMIM 253600. Disease mechanism: loss of function.

Submission:

Intergen Genetics and Rare Diseases Diagnosis Center
Classification: Uncertain significance for Autosomal recessive limb-girdle muscular dystrophy type 2A. Last evaluated: 2025-12-01. Review status: criteria provided, single submitter. Criteria: ACMG Guidelines, 2015. Collection method: clinical testing. Allele origin: germline. Inheritance: Autosomal recessive inheritance. Affected: yes. Observed: 1 homozygote.
Comment: The clinical phenotype is consistent with autosomal recessive CAPN3-related limb-girdle muscular dystrophy. The alanine at codon 702 is highly conserved, and the substitution to glutamic acid represents a significant change in physicochemical properties. The variant is located within a functionally important region of the protein (PM1). It is absent or extremely rare in population databases (PM2). A different missense change affecting the same codon has been previously reported as pathogenic/likely pathogenic (PM5). Missense variation is a known mechanism of disease for CAPN3 (PP2). Based on ACMG/AMP criteria (PM1, PM2, PM5, PP2), this variant is classified as Likely Pathogenic.

Literature cited by the submitters: PubMed 37589857.